The following is an entry in ClinVar:

ClinVar aggregate classification (germline): Uncertain significance (1 of 4 stars; one submission).

Conditions:
Cardiovascular phenotype. Identifiers: MedGen CN230736.

gnomAD v4.1: 2 of 1,613,840 alleles (0.00012%); highest among the groups gnomAD compares: East Asian, 0.0022%; no homozygotes.

Submission:

Ambry Genetics
Classification: Uncertain significance for Cardiovascular phenotype. Last evaluated: 2024-06-09. Review status: criteria provided, single submitter. Criteria: Ambry Variant Classification Scheme 2023. Collection method: clinical testing. Allele origin: germline.
Comment: The p.A19T variant (also known as c.55G>A), located in coding exon 1 of the TBX5 gene, results from a G to A substitution at nucleotide position 55. The alanine at codon 19 is replaced by threonine, an amino acid with similar properties. This amino acid position is conserved. In addition, this alteration is predicted to be tolerated by in silico analysis. Based on the available evidence, the clinical significance of this variant remains unclear.

NM_181486.4(TBX5):c.55G>A (p.Ala19Thr)

Gene: TBX5 (T-box transcription factor 5; minus strand). Cytogenetic location: 12q24.21.
Variant type: single nucleotide variant.
Coding change: c.55G>A on transcript NM_181486.4 (MANE Select); coding-DNA position 55, G replaced by A.
Protein change: p.Ala19Thr; replaces alanine 19 with threonine.
Molecular consequence: missense variant. On other transcripts: intron variant (1).
Genome position (GRCh38, 1-based): chr12:114,403,844, C>T on the plus strand (G>A on the coding strand, the complement: TBX5 is on the minus strand). VCF-style: chr12-114403844-C-T. GRCh37 (hg19) VCF-style: chr12-114841649-C-T.
Other names: c.55G>A, p.Ala19Thr (NM_000192.3); c.-3-1924G>A (NM_080717.4); short protein forms A19T.
Identifiers: ClinVar variation 3324884 (VCV003324884.1).